The following is an entry in ClinVar:

ClinVar aggregate classification (germline): Uncertain significance (1 of 4 stars; one submission).

Conditions:
Hereditary cancer-predisposing syndrome. Also called: Neoplastic Syndromes, Hereditary; Tumor predisposition; Hereditary Cancer Syndrome; Hereditary neoplastic syndrome. Identifiers: Orphanet 140162, MedGen C0027672, MeSH D009386, MONDO:0015356.

Submission:

Ambry Genetics
Classification: Uncertain significance for Hereditary cancer-predisposing syndrome. Last evaluated: 2026-05-08. Review status: criteria provided, single submitter. Criteria: Ambry Variant Classification Scheme 2023. Collection method: clinical testing. Allele origin: germline.
Comment: The p.M1346L variant (also known as c.4036A>T), located in coding exon 20 of the DICER1 gene, results from an A to T substitution at nucleotide position 4036. The methionine at codon 1346 is replaced by leucine, an amino acid with highly similar properties. This amino acid position is highly conserved in available vertebrate species. In addition, the in silico prediction for this alteration is inconclusive. Based on the available evidence, the clinical significance of this variant remains unclear.

NM_177438.3(DICER1):c.4036A>T (p.Met1346Leu)

Gene: DICER1 (dicer 1, ribonuclease III; minus strand). Cytogenetic location: 14q32.13.
Variant type: single nucleotide variant.
Coding change: c.4036A>T on transcript NM_177438.3 (MANE Select); coding-DNA position 4036, A replaced by T.
Protein change: p.Met1346Leu; replaces methionine 1346 with leucine.
Molecular consequence: missense variant. On other transcripts: non-coding transcript variant (6).
Genome position (GRCh38, 1-based): chr14:95,103,360, T>A on the plus strand (A>T on the coding strand, the complement: DICER1 is on the minus strand). VCF-style: chr14-95103360-T-A. GRCh37 (hg19) VCF-style: chr14-95569697-T-A.
Other names: c.4036A>T, p.Met1346Leu (NM_001195573.1, NM_001271282.3, NM_001291628.2 and 12 more transcripts); c.3754A>T, p.Met1252Leu (NM_001395686.1); c.3631A>T, p.Met1211Leu (NM_001395687.1, NM_001395688.1, NM_001395689.1 and 2 more transcripts); c.3469A>T, p.Met1157Leu (NM_001395691.1); c.2353A>T, p.Met785Leu (NM_001395697.1); short protein forms M1157L, M1211L, M1252L, M1346L, M785L.
Identifiers: ClinVar variation 4869779 (VCV004869779.1).